The following is an entry in ClinVar:

NM_001346249.2(RALGAPA1):c.7152_7155dup (p.Phe2386fs)

Gene: RALGAPA1 (Ral GTPase activating protein catalytic subunit alpha 1; minus strand). Cytogenetic location: 14q13.2.
Variant type: Duplication.
Coding change: c.7152_7155dup on transcript NM_001346249.2 (MANE Select); coding-DNA positions 7152 to 7155, 4 bases duplicated (AATA; older notation c.7152_7155dupAATA).
Protein change: p.Phe2386fs; shifts the reading frame from phenylalanine 2386.
Molecular consequence: frameshift variant.
Genome position (GRCh38, 1-based): chr14:35,595,688-35,595,691, TATT duplicated on the plus strand (AATA on the coding strand, the reverse complement: RALGAPA1 is on the minus strand). VCF-style (leftmost placement, unchanged base first): chr14-35595687-A-ATATT. GRCh37 (hg19) VCF-style: chr14-36064893-A-ATATT.
Other names: c.5673_5676dup, p.Phe1893fs (NM_001283043.3); c.5775_5778dup, p.Phe1927fs (NM_001283044.3, NM_001346245.2, NM_001346247.2); c.7011_7014dup, p.Phe2339fs (NM_001330075.3, NM_001346248.2); c.5634_5637dup, p.Phe1880fs (NM_001346243.2, NM_001346246.2, NM_014990.3 and 1 more transcripts); short protein forms F1880fs, F1893fs, F1927fs, F2339fs, F2386fs.
Identifiers: ClinVar variation 2584516 (VCV002584516.1), dbSNP rs2549631880, ClinGen allele CA2582341749.

ClinVar aggregate classification (germline): Likely pathogenic (1 of 4 stars; one submission).

Conditions:
Neurodevelopmental disorder with hypotonia, neonatal respiratory insufficiency, and thermodysregulation. Identifiers: MedGen C5394091, MONDO:0032921, OMIM 618797.

Submission:

Rady Children's Institute for Genomic Medicine, Rady Children's Hospital San Diego
Classification: Likely pathogenic for Neurodevelopmental disorder with hypotonia, neonatal respiratory insufficiency, and thermodysregulation. Review status: criteria provided, single submitter. Criteria: ACMG Guidelines, 2015. Collection method: clinical testing. Allele origin: germline. Affected: yes.
Comment: This frameshifting variant in exon 36 of 40 introduces a premature stop codon and is therefore predicted to result in loss of normal protein function through either protein truncation or nonsense-mediated mRNA decay (NMD). This variant has not been previously reported or functionally characterized in the literature to our knowledge. However, a nonsense variant, c.5732C>G (p.Ser1911Ter), downstream of this variant has been associated with the disease (PMID: 32004447). It is absent from the gnomAD population database and thus is presumed to be rare. Based on the available evidence, the c.5634_5637dup (p.Phe1880AsnfsTer11) variant is classified as Likely Pathogenic.